The following is an entry in ClinVar:

ClinVar aggregate classification (germline): Uncertain significance (1 of 4 stars; one submission).

Conditions:
Woodhouse-Sakati syndrome. Also called: Hypogonadism, Alopecia, Diabetes Mellitus, Mental Retardation, and Extrapyramidal Syndrome; EXTRAPYRAMIDAL DISORDER, PROGRESSIVE, WITH PRIMARY HYPOGONADISM, MENTAL RETARDATION, AND ALOPECIA; Hypogonadism, diabetes mellitus, alopecia, mental retardation and electrocardiographic abnormalities. Identifiers: Orphanet 3464, MedGen C0342286, MONDO:0009419, OMIM 241080.

Allele frequency attached by ClinVar (database versions not stated): gnomAD exomes 0.00001; ExAC 0.00002; gnomAD 0.00003; TOPMed 0.00003; ESP Exome Variant Server 0.00015.
gnomAD v4.1: 10 of 1,614,024 alleles (0.00062%); highest among the groups gnomAD compares: Admixed American, 0.0033%; no homozygotes.

Submission:

Labcorp Genetics (formerly Invitae), Labcorp
Classification: Uncertain significance for Woodhouse-Sakati syndrome. Last evaluated: 2022-02-04. Review status: criteria provided, single submitter. Criteria: Invitae Variant Classification Sherloc (09022015). Collection method: clinical testing. Allele origin: germline.
Comment: This sequence change replaces methionine, which is neutral and non-polar, with valine, which is neutral and non-polar, at codon 281 of the DCAF17 protein (p.Met281Val). This variant is present in population databases (rs373435062, gnomAD 0.006%). This variant has not been reported in the literature in individuals affected with DCAF17-related conditions. ClinVar contains an entry for this variant (Variation ID: 941104). Algorithms developed to predict the effect of missense changes on protein structure and function (SIFT, PolyPhen-2, Align-GVGD) all suggest that this variant is likely to be tolerated. In summary, the available evidence is currently insufficient to determine the role of this variant in disease. Therefore, it has been classified as a Variant of Uncertain Significance.

NM_025000.4(DCAF17):c.841A>G (p.Met281Val)

Gene: DCAF17 (DDB1 and CUL4 associated factor 17; plus strand). Cytogenetic location: 2q31.1.
Variant type: single nucleotide variant.
Coding change: c.841A>G on transcript NM_025000.4 (MANE Select); coding-DNA position 841, A replaced by G.
Protein change: p.Met281Val; replaces methionine 281 with valine.
Molecular consequence: missense variant. On other transcripts: non-coding transcript variant (1).
Genome position (GRCh38, 1-based): chr2:171,468,890, A>G. VCF-style: chr2-171468890-A-G. GRCh37 (hg19) VCF-style: chr2-172325400-A-G.
Other names: c.841A>G, p.Met281Val (NM_001164821.2); short protein forms M281V.
Identifiers: ClinVar variation 941104 (VCV000941104.7), dbSNP rs373435062, ClinGen allele CA1964812.